The following is an entry in ClinVar:

NM_001768.7(CD8A):c.337T>A (p.Tyr113Asn)

Gene: CD8A (CD8 subunit alpha; minus strand). Cytogenetic location: 2p11.2.
Variant type: single nucleotide variant.
Coding change: c.337T>A on transcript NM_001768.7 (MANE Select); coding-DNA position 337, T replaced by A.
Protein change: p.Tyr113Asn; replaces tyrosine 113 with asparagine.
Molecular consequence: missense variant. On other transcripts: non-coding transcript variant (3).
Genome position (GRCh38, 1-based): chr2:86,790,394, A>T on the plus strand (T>A on the coding strand, the complement: CD8A is on the minus strand). VCF-style: chr2-86790394-A-T. GRCh37 (hg19) VCF-style: chr2-87017517-A-T.
Other names: c.337T>A, p.Tyr113Asn (NM_001145873.1, NM_001382698.1, NM_171827.4); short protein forms Y113N.
Identifiers: ClinVar variation 644495 (VCV000644495.11), dbSNP rs763683238, ClinGen allele CA1751224.

ClinVar aggregate classification (germline): Uncertain significance (1 of 4 stars; one submission).

Conditions:
Susceptibility to respiratory infections associated with CD8alpha chain mutation (IMD116). Also called: Cd8 deficiency, familial; IMMUNODEFICIENCY 116. Identifiers: Orphanet 169085, MedGen C1837065, MONDO:0012161, OMIM 608957.

Allele frequency attached by ClinVar (database versions not stated): TOPMed below 0.00001; ExAC 0.00001; gnomAD 0.00001; gnomAD exomes 0.00001.
gnomAD v4.1: 15 of 1,614,038 alleles (0.00093%); highest among the groups gnomAD compares: Admixed American, 0.0017%; no homozygotes.

Submission:

Labcorp Genetics (formerly Invitae), Labcorp
Classification: Uncertain significance for Susceptibility to respiratory infections associated with CD8alpha chain mutation. Last evaluated: 2025-03-05. Review status: criteria provided, single submitter. Criteria: Invitae Variant Classification Sherloc (09022015). Collection method: clinical testing. Allele origin: germline.
Comment: This sequence change replaces tyrosine, which is neutral and polar, with asparagine, which is neutral and polar, at codon 113 of the CD8A protein (p.Tyr113Asn). This variant is present in population databases (rs763683238, gnomAD 0.002%). This variant has not been reported in the literature in individuals affected with CD8A-related conditions. ClinVar contains an entry for this variant (Variation ID: 644495). An algorithm developed to predict the effect of missense changes on protein structure and function (PolyPhen-2) suggests that this variant is likely to be disruptive. In summary, the available evidence is currently insufficient to determine the role of this variant in disease. Therefore, it has been classified as a Variant of Uncertain Significance.